The following is an entry in ClinVar:

NM_015021.3(ZNF292):c.3384del (p.Ala1129fs)

Gene: ZNF292 (zinc finger protein 292; plus strand). Cytogenetic location: 6q14.3.
Variant type: Deletion.
Coding change: c.3384del on transcript NM_015021.3 (MANE Select); coding-DNA position 3384, one base deleted (T; older notation c.3384delT).
Protein change: p.Ala1129fs; shifts the reading frame from alanine 1129.
Molecular consequence: frameshift variant.
Genome position (GRCh38, 1-based): chr6:87,257,013, T deleted. VCF-style (leftmost placement, unchanged base first): chr6-87257012-CT-C. GRCh37 (hg19) VCF-style: chr6-87966730-CT-C.
Other names: c.2964del, p.Ala989fs (NM_001351444.2); short protein forms A1129fs, A989fs.
Identifiers: ClinVar variation 1317493 (VCV001317493.3), dbSNP rs2127862824, ClinGen allele CA2573052753.
Genomic context (GRCh38, chr6:87,257,012, plus strand): 5'-CCTATAATTCTTCACAGAGTATTGGGAAACACATGAAGACAGCACACCCTGACCAATATG[CT>C]GCATTTAAAATGCAGCGCAAAAGTAAAAAAGGTCAGAAAGCTAACAACTTAAATACACCA-3'

ClinVar aggregate classification (germline): Likely pathogenic (1 of 4 stars; one submission).

Submission:

GeneDx
Classification: Likely pathogenic. Last evaluated: 2025-07-10. Review status: criteria provided, single submitter. Criteria: GeneDx Variant Classification Process June 2021. Collection method: clinical testing. Allele origin: germline. Affected: yes.
Comment: Has not been previously published as pathogenic or benign to our knowledge; Frameshift variant predicted to result in protein truncation, as the last 1595 amino acids are replaced with 16 different amino acids, and other loss-of-function variants have been reported downstream in the Human Gene Mutation Database (HGMD); Not observed in large population cohorts (gnomAD)